The following is an entry in ClinVar:

ClinVar aggregate classification (germline): Likely pathogenic (0 of 4 stars; one submission).

Conditions:
Developmental and epileptic encephalopathy, 13 (DEE13). Also called: SCN8A-Related Epilepsy; Developmental and Epileptic Encephalopathy (SCN8A-DEE); Early infantile epileptic encephalopathy 13. Identifiers: Orphanet 442835, MedGen C3281191, MONDO:0013801, OMIM 614558.

Submission:

Baylor Genetics
Classification: Likely pathogenic for Developmental and epileptic encephalopathy, 13. Last evaluated: 2014-10-03. Review status: no assertion criteria provided. Collection method: clinical testing. Allele origin: de novo. Inheritance: Autosomal dominant inheritance. Affected: yes. Observed: 1 variant allele, 1 heterozygote.

NM_014191.4(SCN8A):c.647T>G (p.Val216Gly)

Gene: SCN8A (sodium voltage-gated channel alpha subunit 8; plus strand). Cytogenetic location: 12q13.13.
Variant type: single nucleotide variant.
Coding change: c.647T>G on transcript NM_014191.4 (MANE Plus Clinical); coding-DNA position 647, T replaced by G.
Protein change: p.Val216Gly; replaces valine 216 with glycine.
Molecular consequence: missense variant. On other transcripts: intron variant (2).
Genome position (GRCh38, 1-based): chr12:51,688,790, T>G. VCF-style: chr12-51688790-T-G. GRCh37 (hg19) VCF-style: chr12-52082574-T-G.
Other names: c.647T>G, p.Val216Gly (NM_001177984.3); c.615-215T>G (NM_001330260.2, NM_001369788.1); short protein forms V216G.
Identifiers: ClinVar variation 374298 (VCV000374298.2), dbSNP rs879255696, ClinGen allele CA16043681.